The following is an entry in ClinVar:

NM_031892.3(SH3KBP1):c.225C>G (p.His75Gln)

Gene: SH3KBP1 (SH3 domain containing kinase binding protein 1; minus strand). Cytogenetic location: Xp22.12.
Variant type: single nucleotide variant.
Coding change: c.225C>G on transcript NM_031892.3 (MANE Select); coding-DNA position 225, C replaced by G.
Protein change: p.His75Gln; replaces histidine 75 with glutamine.
Molecular consequence: missense variant.
Genome position (GRCh38, 1-based): chrX:19,746,379, G>C on the plus strand (C>G on the coding strand, the complement: SH3KBP1 is on the minus strand). VCF-style: chrX-19746379-G-C. GRCh37 (hg19) VCF-style: chrX-19764497-G-C.
Other names: c.114C>G, p.His38Gln (NM_001024666.3); c.225C>G, p.His75Gln (NM_001353890.2, NM_001353891.2, NM_001353892.2 and 2 more transcripts); c.48C>G, p.His16Gln (NM_001353893.2, NM_001353894.2, NM_001353895.2 and 1 more transcripts); short protein forms H75Q, H16Q, H38Q.
Identifiers: ClinVar variation 2967640 (VCV002967640.3), dbSNP rs200707424, ClinGen allele CA10364941.
Genomic context (GRCh38, chrX:19,746,379, plus strand): 5'-TCTCTTATTGGTTCTTAAAATCGTTTCAGAAGACAGCAAAGAGTTTCCACTGGGCACTTC[G>C]TGCAGGGGCTTTTCTGGAGCTTTGTTGGTGAGAGGGTCTTTCTTCATCTCTTTCTTTATT-3'
Protein context (NP_114098.1, residues 65-85): LTNKAPEKPL[His75Gln]EVPSGNSLLS

ClinVar aggregate classification (germline): Uncertain significance (1 of 4 stars; one submission).

Allele frequency attached by ClinVar (database versions not stated): 1000 Genomes Project 30x 0.00021; 1000 Genomes Project 0.00026.
gnomAD v4.1: 81 of 1,204,437 alleles (0.0067%); highest among the groups gnomAD compares: Non-Finnish European, 0.0083%; no homozygotes.

Submission:

Labcorp Genetics (formerly Invitae), Labcorp
Classification: Uncertain significance. Last evaluated: 2025-11-03. Review status: criteria provided, single submitter. Criteria: Invitae Variant Classification Sherloc (09022015). Collection method: clinical testing. Allele origin: germline.
Comment: This sequence change replaces histidine, which is basic and polar, with glutamine, which is neutral and polar, at codon 75 of the SH3KBP1 protein (p.His75Gln). This variant is present in population databases (rs200707424, gnomAD 0.01%). This variant has not been reported in the literature in individuals affected with SH3KBP1-related conditions. ClinVar contains an entry for this variant (Variation ID: 2967640). Invitae Evidence Modeling of protein sequence and biophysical properties (such as structural, functional, and spatial information, amino acid conservation, physicochemical variation, residue mobility, and thermodynamic stability) indicates that this missense variant is not expected to disrupt SH3KBP1 protein function with a negative predictive value of 80%. In summary, the available evidence is currently insufficient to determine the role of this variant in disease. Therefore, it has been classified as a Variant of Uncertain Significance.